The following is an entry in ClinVar:

ClinVar aggregate classification (germline): Uncertain significance (1 of 4 stars; one submission).

Submission:

Labcorp Genetics (formerly Invitae), Labcorp
Classification: Uncertain significance. Last evaluated: 2025-01-11. Review status: criteria provided, single submitter. Criteria: Invitae Variant Classification Sherloc (09022015). Collection method: clinical testing. Allele origin: germline.
Comment: This sequence change creates a premature translational stop signal (p.Ile39Trpfs*26) in the FAM65B gene. It is expected to result in an absent or disrupted protein product. However, the current clinical and genetic evidence is not sufficient to establish whether loss-of-function variants in FAM65B cause disease. This variant is not present in population databases (gnomAD no frequency). This variant has not been reported in the literature in individuals affected with FAM65B-related conditions. ClinVar contains an entry for this variant (Variation ID: 1680524). In summary, the available evidence is currently insufficient to determine the role of this variant in disease. Therefore, it has been classified as a Variant of Uncertain Significance.

NM_001286445.3(RIPOR2):c.201_202insTGGATGCCCAATCCAAATCCTTTTGGATGCCCAATCCTCACAATTTCTTCTGTTCTTTCCATAGGTGTAACTCCATAGGA (p.Ile68delinsTrpMetProAsnProAsnProPheGlyCysProIleLeuThrIleSerSerValLeuSerIleGlyValThrProTer)

Gene: RIPOR2 (RHO family interacting cell polarization regulator 2; minus strand). Cytogenetic location: 6p22.3.
Variant type: Insertion.
Coding change: c.201_202insTGGATGCCCAATCCAAATCCTTTTGGATGCCCAATCCTCACAATTTCTTCTGTTCTTTCCATAGGTGTAACTCCATAGGA on transcript NM_001286445.3 (MANE Select); coding-DNA positions 201 to 202, TGGATGCCCAATCCAAATCCTTTTGGATGCCCAATCCTCACAATTTCTTCTGTTCTTTCCATAGGTGTAACTCCATAGGA inserted.
Protein change: p.Ile68delinsTrpMetProAsnProAsnProPheGlyCysProIleLeuThrIleSerSerValLeuSerIleGlyValThrProTer.
Molecular consequence: nonsense.
Genome position: GRCh38: chr6:24,873,786-24,873,787. GRCh37 (hg19): chr6:24,874,014-24,874,015.
Other names: c.216_217insTGGATGCCCAATCCAAATCCTTTTGGATGCCCAATCCTCACAATTTCTTCTGTTCTTTCCATAGGTGTAACTCCATAGGA, p.Ile73delinsTrpMetProAsnProAsnProPheGlyCysProIleLeuThrIleSerSerValLeuSerIleGlyValThrProTer (NM_001286446.3); c.114_115insTGGATGCCCAATCCAAATCCTTTTGGATGCCCAATCCTCACAATTTCTTCTGTTCTTTCCATAGGTGTAACTCCATAGGA, p.Ile39delinsTrpMetProAsnProAsnProPheGlyCysProIleLeuThrIleSerSerValLeuSerIleGlyValThrProTer (NM_001286447.2, NM_001346031.2, NM_001346032.2 and 2 more transcripts).
Identifiers: ClinVar variation 1680524 (VCV001680524.6), dbSNP rs768092430, ClinGen allele CA2573140170.